The following is an entry in ClinVar:

NM_001142800.2(EYS):c.5902G>A (p.Gly1968Arg)

Gene: EYS (EGF-like photoreceptor maintenance factor; minus strand). Cytogenetic location: 6q12.
Variant type: single nucleotide variant.
Coding change: c.5902G>A on transcript NM_001142800.2 (MANE Select); coding-DNA position 5902, G replaced by A.
Protein change: p.Gly1968Arg; replaces glycine 1968 with arginine.
Molecular consequence: missense variant.
Genome position (GRCh38, 1-based): chr6:64,436,199, C>T on the plus strand (G>A on the coding strand, the complement: EYS is on the minus strand). VCF-style: chr6-64436199-C-T. GRCh37 (hg19) VCF-style: chr6-65146092-C-T.
Other names: c.5902G>A, p.Gly1968Arg (NM_001292009.2); short protein forms G1968R.
Identifiers: ClinVar variation 1040496 (VCV001040496.7), dbSNP rs992864714, ClinGen allele CA140321733.

ClinVar aggregate classification (germline): Uncertain significance. Review status: criteria provided, multiple submitters, no conflicts (2 of 4 stars). 5 submissions from 5 submitters: Uncertain significance (4). 1 of the submissions does not count toward it. Last evaluated 2026-06-16.

Conditions:
Retinitis pigmentosa 25 (RP25). Identifiers: Orphanet 791, MedGen C1864446, MONDO:0011272, OMIM 602772.

Allele frequency attached by ClinVar (database versions not stated): gnomAD exomes 0.00001; TOPMed 0.00002; gnomAD 0.00004 and 0.00005.
gnomAD v4.1: 42 of 1,541,502 alleles (0.0027%); highest among the groups gnomAD compares: East Asian, 0.012%; no homozygotes.

Submissions (5):

Women's Health and Genetics/Laboratory Corporation of America, LabCorp
Classification: Uncertain significance. Last evaluated: 2026-06-16. Review status: criteria provided, single submitter. Criteria: LabCorp Variant Classification Summary - May 2015. Collection method: clinical testing. Allele origin: germline.
Comment: Variant summary: EYS c.5902G>A (p.Gly1968Arg) results in a non-conservative amino acid change in the encoded protein sequence. Algorithms developed to predict the effect of missense changes on protein structure and function are either unavailable or do not agree on the potential impact of this missense change. The variant allele was found at a frequency of 1.3e-05 in 150782 control chromosomes. The available data on variant occurrences in the general population are insufficient to allow any conclusion about variant significance. c.5902G>A has been observed in at least one individual(s) with compound heterozygous genotype affected with EYS-related conditions (Gao_2022). These data do not allow any conclusion about variant significance. To our knowledge, no experimental evidence demonstrating an impact on protein function has been reported. The following publications have been ascertained in the context of this evaluation (PMID: 34689181, 40702517). ClinVar contains an entry for this variant (Variation ID: 1040496). Based on the evidence outlined above, the variant was classified as uncertain significance.

Myriad Genetics, Inc.
Classification: Uncertain significance for Retinitis pigmentosa 25. Last evaluated: 2025-11-03. Review status: criteria provided, single submitter. Criteria: Myriad Autosomal Dominant, Autosomal Recessive and X-Linked Classification Criteria (2023). Collection method: clinical testing. Allele origin: unknown.
Comment: NM_001142800.1(EYS):c.5902G>A(G1968R) is a missense variant classified as a variant of uncertain significance in the context of retinitis pigmentosa, EYS-related. G1968R has been observed in a case with relevant disease (PMID: 34689181). Relevant functional assessments of this variant are not available in the literature. G1968R has been observed in referenced population frequency databases. In summary, there is insufficient evidence to classify NM_001142800.1(EYS):c.5902G>A(G1968R) as pathogenic or benign. Please note: this variant was assessed in the context of healthy population screening.

Labcorp Genetics (formerly Invitae), Labcorp
Classification: Uncertain significance. Last evaluated: 2025-10-05. Review status: criteria provided, single submitter. Criteria: Invitae Variant Classification Sherloc (09022015). Collection method: clinical testing. Allele origin: germline.
Comment: This sequence change replaces glycine, which is neutral and non-polar, with arginine, which is basic and polar, at codon 1968 of the EYS protein (p.Gly1968Arg). This variant is present in population databases (no rsID available, gnomAD 0.007%). This variant has not been reported in the literature in individuals affected with EYS-related conditions. ClinVar contains an entry for this variant (Variation ID: 1040496). Invitae Evidence Modeling of protein sequence and biophysical properties (such as structural, functional, and spatial information, amino acid conservation, physicochemical variation, residue mobility, and thermodynamic stability) indicates that this missense variant is not expected to disrupt EYS protein function with a negative predictive value of 80%. In summary, the available evidence is currently insufficient to determine the role of this variant in disease. Therefore, it has been classified as a Variant of Uncertain Significance.

Blueprint Genetics
Classification: Uncertain significance. Last evaluated: 2021-07-06. Review status: criteria provided, single submitter. Criteria: ACMG Guidelines, 2015. Collection method: clinical testing. Allele origin: germline.

Natera, Inc.
Classification: Uncertain significance for Retinitis pigmentosa type 25. Last evaluated: 2020-06-29. Review status: no assertion criteria provided. Collection method: clinical testing. Allele origin: germline. Not counted in ClinVar's aggregate classification.

Literature cited by the submitters: PubMed 34689181 (cited by Women's Health and Genetics/Laboratory Corporation of America, LabCorp and Myriad Genetics, Inc.); PubMed 40702517 (cited by Women's Health and Genetics/Laboratory Corporation of America, LabCorp).